The following is an entry in ClinVar:

NM_000170.3(GLDC):c.2617T>A (p.Ser873Thr)

Gene: GLDC (glycine decarboxylase; minus strand). Cytogenetic location: 9p24.1.
Variant type: single nucleotide variant.
Coding change: c.2617T>A on transcript NM_000170.3 (MANE Select); coding-DNA position 2617, T replaced by A.
Protein change: p.Ser873Thr; replaces serine 873 with threonine.
Molecular consequence: missense variant.
Genome position (GRCh38, 1-based): chr9:6,540,099, A>T on the plus strand (T>A on the coding strand, the complement: GLDC is on the minus strand). VCF-style: chr9-6540099-A-T. GRCh37 (hg19) VCF-style: chr9-6540099-A-T.
Other names: short protein forms S873T.
Identifiers: ClinVar variation 2507055 (VCV002507055.1), dbSNP rs754965210, ClinGen allele CA372883617.
Genomic context (GRCh38, chr9:6,540,099, plus strand): 5'-AAAGCCACTTACCATAATCCTGGAGTCTCTTGGCCACATCCACAGCCTCAATATTTGCAG[A>T]CTTTTTGAAGGGTCTCGTGTCCAAAATAAATTCATGACCCACATAACCTGTTCAGGAAAG-3'
Protein context (NP_000161.2, residues 863-883): FILDTRPFKK[Ser873Thr]ANIEAVDVAK

ClinVar aggregate classification (germline): Uncertain significance (1 of 4 stars; one submission).

Allele frequency attached by ClinVar (database versions not stated): gnomAD exomes below 0.00001.
gnomAD v4.1: 1 of 1,613,748 alleles (0.000062%); highest among the groups gnomAD compares: Non-Finnish European, 0.000085%; no homozygotes.

Submission:

GeneDx
Classification: Uncertain significance. Last evaluated: 2022-12-27. Review status: criteria provided, single submitter. Criteria: GeneDx Variant Classification Process June 2021. Collection method: clinical testing. Allele origin: germline. Affected: yes.
Comment: Not observed at significant frequency in large population cohorts (gnomAD); In silico analysis supports that this missense variant does not alter protein structure/function; Has not been previously published as pathogenic or benign to our knowledge